The following is an entry in ClinVar:

ClinVar aggregate classification (germline): Uncertain significance (1 of 4 stars; one submission).

Allele frequency attached by ClinVar (database versions not stated): TOPMed below 0.00001.

Submission:

Labcorp Genetics (formerly Invitae), Labcorp
Classification: Uncertain significance. Last evaluated: 2022-09-06. Review status: criteria provided, single submitter. Criteria: Invitae Variant Classification Sherloc (09022015). Collection method: clinical testing. Allele origin: germline.
Comment: In summary, the available evidence is currently insufficient to determine the role of this variant in disease. Therefore, it has been classified as a Variant of Uncertain Significance. Algorithms developed to predict the effect of missense changes on protein structure and function (SIFT, PolyPhen-2, Align-GVGD) all suggest that this variant is likely to be tolerated. This variant has not been reported in the literature in individuals affected with EMC1-related conditions. This variant is not present in population databases (gnomAD no frequency). This sequence change replaces valine, which is neutral and non-polar, with leucine, which is neutral and non-polar, at codon 322 of the EMC1 protein (p.Val322Leu).

NM_015047.3(EMC1):c.964G>T (p.Val322Leu)

Genes: EMC1 (ER membrane protein complex subunit 1; minus strand), EMC1-AS1 (EMC1 antisense RNA 1; plus strand). Cytogenetic location: 1p36.13.
Variant type: single nucleotide variant.
Coding change: c.964G>T on transcript NM_015047.3 (MANE Select); coding-DNA position 964, G replaced by T.
Protein change: p.Val322Leu; replaces valine 322 with leucine.
Molecular consequence: missense variant.
Genome position (GRCh38, 1-based): chr1:19,239,293, C>A on the plus strand (G>T on the coding strand, the complement: EMC1 is on the minus strand). VCF-style: chr1-19239293-C-A. GRCh37 (hg19) VCF-style: chr1-19565787-C-A.
Other names: c.964G>T, p.Val322Leu (NM_001271427.2, NM_001271428.2, NM_001375820.1 and 1 more transcripts); c.898G>T, p.Val300Leu (NM_001271429.2); short protein forms V300L, V322L.
Identifiers: ClinVar variation 1962189 (VCV001962189.5), dbSNP rs1224456846, ClinGen allele CA338767813.